The following is an entry in ClinVar:

ClinVar aggregate classification (germline): Benign/Likely benign. Review status: criteria provided, multiple submitters, no conflicts (2 of 4 stars). 3 submissions from 3 submitters: Benign (1); Likely benign (2). Last evaluated 2024-12-18.

Conditions:
Hereditary cancer-predisposing syndrome. Also called: Neoplastic Syndromes, Hereditary; Tumor predisposition; Hereditary neoplastic syndrome; Hereditary Cancer Syndrome. Identifiers: Orphanet 140162, MedGen C0027672, MeSH D009386, MONDO:0015356.
Lynch syndrome 5 (LYNCH5). Also called: Colorectal cancer, hereditary nonpolyposis, type 5; Hereditary non-polyposis colorectal cancer, type 5. Identifiers: Orphanet 144, MedGen C1833477, MONDO:0013710, OMIM 614350. Disease mechanism: loss of function.
Hereditary nonpolyposis colorectal neoplasms. Identifiers: MedGen C0009405, MeSH D003123.

gnomAD v4.1: 15 of 1,614,214 alleles (0.00093%); highest among the groups gnomAD compares: Non-Finnish European, 0.0013%; no homozygotes.

Submissions (3):

Myriad Genetics, Inc.
Classification: Benign for Lynch syndrome 5. Last evaluated: 2024-12-18. Review status: criteria provided, single submitter. Criteria: Myriad Autosomal Dominant, Autosomal Recessive and X-Linked Classification Criteria (2023). Collection method: clinical testing. Allele origin: unknown.
Comment: This variant is considered benign. This variant is a silent/synonymous amino acid change and it is not expected to impact splicing.

Labcorp Genetics (formerly Invitae), Labcorp
Classification: Likely benign for Hereditary nonpolyposis colorectal neoplasms. Last evaluated: 2024-08-21. Review status: criteria provided, single submitter. Criteria: Invitae Variant Classification Sherloc (09022015). Collection method: clinical testing. Allele origin: germline.

Ambry Genetics
Classification: Likely benign for Hereditary cancer-predisposing syndrome. Last evaluated: 2019-06-01. Review status: criteria provided, single submitter. Criteria: Ambry Variant Classification Scheme 2023. Collection method: clinical testing. Allele origin: germline.

NM_000179.3(MSH6):c.336C>T (p.Asn112=)

Gene: MSH6 (mutS homolog 6; plus strand). Cytogenetic location: 2p16.3.
Variant type: single nucleotide variant.
Coding change: c.336C>T on transcript NM_000179.3 (MANE Select); coding-DNA position 336, C replaced by T.
Protein change: p.Asn112=; no amino-acid change (asparagine 112 retained).
Molecular consequence: synonymous variant. On other transcripts: 5 prime UTR variant (2), intron variant (1).
Genome position (GRCh38, 1-based): chr2:47,791,002, C>T. VCF-style: chr2-47791002-C-T. GRCh37 (hg19) VCF-style: chr2-48018141-C-T.
Other names: c.-401C>T (NM_001281493.2); c.-567C>T (NM_001281494.2); c.237+7532C>T (NM_001281492.2).
Identifiers: ClinVar variation 823673 (VCV000823673.10), dbSNP rs1182444882, ClinGen allele CA425989375.
Genomic context (GRCh38, chr2:47,791,002, plus strand): 5'-AGGAGATTTGGTTTGGGCCAAGATGGAGGGTTACCCCTGGTGGCCTTGTCTGGTTTACAA[C>T]CACCCCTTTGATGGAACATTCATCCGCGAGAAAGGGAAATCAGTCCGTGTTCATGTACAG-3'
Protein context (NP_000170.1, residues 102-122): GYPWWPCLVY[Asn112=]HPFDGTFIRE